The following is an entry in ClinVar:

NM_003597.5(KLF11):c.1084G>A (p.Gly362Arg)

Gene: KLF11 (KLF transcription factor 11; plus strand). Cytogenetic location: 2p25.1.
Variant type: single nucleotide variant.
Coding change: c.1084G>A on transcript NM_003597.5 (MANE Select); coding-DNA position 1084, G replaced by A.
Protein change: p.Gly362Arg; replaces glycine 362 with arginine.
Molecular consequence: missense variant.
Genome position (GRCh38, 1-based): chr2:10,048,421, G>A. VCF-style: chr2-10048421-G-A. GRCh37 (hg19) VCF-style: chr2-10188548-G-A.
Other names: c.1033G>A, p.Gly345Arg (NM_001177716.2, NM_001177718.2); short protein forms G345R, G362R.
Identifiers: ClinVar variation 4697523 (VCV004697523.1).

ClinVar aggregate classification (germline): Uncertain significance (1 of 4 stars; one submission).

gnomAD v4.1: 26 of 1,613,932 alleles (0.0016%); highest among the groups gnomAD compares: African/African-American, 0.0027%; no homozygotes.

Submission:

Labcorp Genetics (formerly Invitae), Labcorp
Classification: Uncertain significance. Last evaluated: 2025-10-08. Review status: criteria provided, single submitter. Criteria: Invitae Variant Classification Sherloc (09022015). Collection method: clinical testing. Allele origin: germline.
Comment: This sequence change replaces glycine, which is neutral and non-polar, with arginine, which is basic and polar, at codon 362 of the KLF11 protein (p.Gly362Arg). This variant is present in population databases (rs755222469, gnomAD 0.007%). This variant has not been reported in the literature in individuals affected with KLF11-related conditions. An algorithm developed to predict the effect of missense changes on protein structure and function (PolyPhen-2) suggests that this variant is likely to be disruptive. In summary, the available evidence is currently insufficient to determine the role of this variant in disease. Therefore, it has been classified as a Variant of Uncertain Significance.